The following is an entry in ClinVar:

NM_001386795.1(DTNA):c.2172G>C (p.Glu724Asp)

Gene: DTNA (dystrobrevin alpha; plus strand). Cytogenetic location: 18q12.1.
Variant type: single nucleotide variant.
Coding change: c.2172G>C on transcript NM_001386795.1 (MANE Select); coding-DNA position 2172, G replaced by C.
Protein change: p.Glu724Asp; replaces glutamic acid 724 with aspartic acid.
Molecular consequence: missense variant.
Genome position (GRCh38, 1-based): chr18:34,882,078, G>C. VCF-style: chr18-34882078-G-C. GRCh37 (hg19) VCF-style: chr18-32462042-G-C.
Other names: c.2091G>C, p.Glu697Asp (NM_001390.5); c.1920G>C, p.Glu640Asp (NM_032975.4, NM_001386761.1); c.1035G>C, p.Glu345Asp (NM_032980.4); c.1047G>C, p.Glu349Asp (NM_001198944.1); c.1911G>C, p.Glu637Asp (NM_001386753.1, NM_001198938.2, NM_001198940.2 and 5 more transcripts); c.2001G>C, p.Glu667Asp (NM_001386754.1, NM_001386755.1, NM_001386756.1 and 3 more transcripts); c.1998G>C, p.Glu666Asp (NM_001386760.1); c.1932G>C, p.Glu644Asp (NM_001198939.2); and 5 more; short protein forms E349D, E639D, E640D, E724D, E637D, E667D, E345D, E387D.
Identifiers: ClinVar variation 1495770 (VCV001495770.8), dbSNP rs1297383915, ClinGen allele CA402168219.

ClinVar aggregate classification (germline): Uncertain significance (1 of 4 stars; one submission).

Conditions:
Left ventricular noncompaction 1 (LVNC1). Also called: LEFT VENTRICULAR NONCOMPACTION 1 WITH OR WITHOUT CONGENITAL HEART DEFECTS. Identifiers: Orphanet 54260, MedGen C1858725, MONDO:0011403, OMIM 604169.

Submission:

Labcorp Genetics (formerly Invitae), Labcorp
Classification: Uncertain significance for Left ventricular noncompaction 1. Last evaluated: 2021-06-01. Review status: criteria provided, single submitter. Criteria: Invitae Variant Classification Sherloc (09022015). Collection method: clinical testing. Allele origin: germline.
Comment: This variant has not been reported in the literature in individuals with DTNA-related conditions. This sequence change replaces glutamic acid with aspartic acid at codon 697 of the DTNA protein (p.Glu697Asp). The glutamic acid residue is moderately conserved and there is a small physicochemical difference between glutamic acid and aspartic acid. This variant is not present in population databases (ExAC no frequency). In summary, the available evidence is currently insufficient to determine the role of this variant in disease. Therefore, it has been classified as a Variant of Uncertain Significance. Algorithms developed to predict the effect of missense changes on protein structure and function (SIFT, PolyPhen-2, Align-GVGD) all suggest that this variant is likely to be tolerated, but these predictions have not been confirmed by published functional studies and their clinical significance is uncertain.